The following is an entry in ClinVar:

NM_001130009.3(GEN1):c.1201C>T (p.Arg401Ter)

Gene: GEN1 (GEN1 structure-specific endonuclease; plus strand). Cytogenetic location: 2p24.2.
Variant type: single nucleotide variant.
Coding change: c.1201C>T on transcript NM_001130009.3 (MANE Select); coding-DNA position 1201, C replaced by T.
Protein change: p.Arg401Ter; replaces arginine 401 with a stop codon.
Molecular consequence: nonsense.
Genome position (GRCh38, 1-based): chr2:17,774,400, C>T. VCF-style: chr2-17774400-C-T. GRCh37 (hg19) VCF-style: chr2-17955667-C-T.
Other names: c.1201C>T, p.Arg401Ter (NM_182625.5); short protein forms R401*.
Identifiers: ClinVar variation 2887067 (VCV002887067.3), dbSNP rs747865506, ClinGen allele CA1540688.

ClinVar aggregate classification (germline): Uncertain significance (1 of 4 stars; one submission).

Allele frequency attached by ClinVar (database versions not stated): gnomAD 0.00002; TOPMed 0.00002; ExAC 0.00003; gnomAD exomes 0.00003.
gnomAD v4.1: 42 of 1,596,998 alleles (0.0026%); highest among the groups gnomAD compares: East Asian, 0.032%; no homozygotes.

Submission:

Labcorp Genetics (formerly Invitae), Labcorp
Classification: Uncertain significance. Last evaluated: 2024-02-17. Review status: criteria provided, single submitter. Criteria: Invitae Variant Classification Sherloc (09022015). Collection method: clinical testing. Allele origin: germline.
Comment: This sequence change creates a premature translational stop signal (p.Arg401*) in the GEN1 gene. It is expected to result in an absent or disrupted protein product. However, the current clinical and genetic evidence is not sufficient to establish whether loss-of-function variants in GEN1 cause disease. This variant is present in population databases (rs747865506, gnomAD 0.05%). This premature translational stop signal has been observed in individual(s) with non-small cell lung cancer (PMID: 36113475). Algorithms developed to predict the effect of sequence changes on RNA splicing suggest that this variant may disrupt the consensus splice site. In summary, the available evidence is currently insufficient to determine the role of this variant in disease. Therefore, it has been classified as a Variant of Uncertain Significance.

Literature cited by the submitters: PubMed 36113475.